The following is an entry in ClinVar:

ClinVar aggregate classification (germline): Conflicting classifications of pathogenicity. Review status: criteria provided, conflicting classifications (1 of 4 stars). 2 submissions from 2 submitters: Uncertain significance (1); Likely benign (1). Last evaluated 2025-03-11.

Conditions:
Hereditary cancer-predisposing syndrome. Also called: Neoplastic Syndromes, Hereditary; Tumor predisposition; Hereditary Cancer Syndrome; Hereditary neoplastic syndrome. Identifiers: Orphanet 140162, MedGen C0027672, MeSH D009386, MONDO:0015356.
Pheochromocytoma/paraganglioma syndrome 5. Also called: Paragangliomas 5; SDHA-Related Hereditary Paraganglioma-Pheochromocytoma Syndrome. Identifiers: Orphanet 29072, MedGen C3279992, MONDO:0013602, OMIM 614165.

gnomAD v4.1: 3 of 1,611,284 alleles (0.00019%); highest among the groups gnomAD compares: East Asian, 0.0022%; no homozygotes.

Submissions (2):

Myriad Genetics, Inc.
Classification: Likely benign for Pheochromocytoma/paraganglioma syndrome 5. Last evaluated: 2025-03-11. Review status: criteria provided, single submitter. Criteria: Myriad Autosomal Dominant, Autosomal Recessive and X-Linked Classification Criteria (2023). Collection method: clinical testing. Allele origin: unknown.
Comment: This variant is considered likely benign. This variant is intronic and is not expected to impact mRNA splicing.

Ambry Genetics
Classification: Uncertain significance for Hereditary cancer-predisposing syndrome. Last evaluated: 2023-01-30. Review status: criteria provided, single submitter. Criteria: Ambry Variant Classification Scheme 2023. Collection method: clinical testing. Allele origin: germline.
Comment: The c.1663+3G>A intronic variant results from a G to A substitution 3 nucleotides after coding exon 12 in the SDHA gene. This nucleotide position is not well conserved in available vertebrate species. In silico splice site analysis predicts that this alteration will not have any significant effect on splicing. Since supporting evidence is limited at this time, the clinical significance of this alteration remains unclear.

NM_004168.4(SDHA):c.1663+3G>A

Gene: SDHA (succinate dehydrogenase complex flavoprotein subunit A; plus strand). Cytogenetic location: 5p15.33.
Variant type: single nucleotide variant.
Coding change: c.1663+3G>A on transcript NM_004168.4 (MANE Select); 3 bases into the intron after coding-DNA position 1663, G replaced by A.
Molecular consequence: intron variant.
Genome position (GRCh38, 1-based): chr5:251,106, G>A. VCF-style: chr5-251106-G-A. GRCh37 (hg19) VCF-style: chr5-251221-G-A.
Other names: c.1552-3287G>A (NM_001330758.2); c.1519+3G>A (NM_001294332.2).
Identifiers: ClinVar variation 2452802 (VCV002452802.3), dbSNP rs751904543, ClinGen allele CA2580073119.